The following is an entry in ClinVar:

ClinVar aggregate classification (germline): Uncertain significance (1 of 4 stars; one submission).

Conditions:
3-Methylglutaconic aciduria type 2 (BTHS). Also called: CARDIOSKELETAL MYOPATHY WITH NEUTROPENIA AND ABNORMAL MITOCHONDRIA; Barth syndrome. Identifiers: Orphanet 111, MedGen C0574083, MONDO:0010543, OMIM 302060.

Submission:

Labcorp Genetics (formerly Invitae), Labcorp
Classification: Uncertain significance for 3-Methylglutaconic aciduria type 2. Last evaluated: 2024-10-17. Review status: criteria provided, single submitter. Criteria: Invitae Variant Classification Sherloc (09022015). Collection method: clinical testing. Allele origin: germline.
Comment: This sequence change replaces isoleucine, which is neutral and non-polar, with valine, which is neutral and non-polar, at codon 196 of the TAZ protein (p.Ile196Val). This variant is not present in population databases (gnomAD no frequency). This variant has not been reported in the literature in individuals affected with TAZ-related conditions. An algorithm developed to predict the effect of missense changes on protein structure and function (PolyPhen-2) suggests that this variant is likely to be tolerated. In summary, the available evidence is currently insufficient to determine the role of this variant in disease. Therefore, it has been classified as a Variant of Uncertain Significance.

NM_000116.5(TAFAZZIN):c.586A>G (p.Ile196Val)

Gene: TAFAZZIN (tafazzin, phospholipid-lysophospholipid transacylase; plus strand). Cytogenetic location: Xq28.
Variant type: single nucleotide variant.
Coding change: c.586A>G on transcript NM_000116.5 (MANE Select); coding-DNA position 586, A replaced by G.
Protein change: p.Ile196Val; replaces isoleucine 196 with valine.
Molecular consequence: missense variant. On other transcripts: non-coding transcript variant (1).
Genome position (GRCh38, 1-based): chrX:154,420,034, A>G. VCF-style: chrX-154420034-A-G. GRCh37 (hg19) VCF-style: chrX-153648373-A-G.
Other names: c.598A>G, p.Ile200Val (NM_001303465.2); c.550A>G, p.Ile184Val (NM_001410698.1); c.496A>G, p.Ile166Val (NM_181311.4); c.544A>G, p.Ile182Val (NM_181312.4); c.454A>G, p.Ile152Val (NM_181313.4); short protein forms I152V, I166V, I182V, I184V, I196V, I200V.
Identifiers: ClinVar variation 3614942 (VCV003614942.2).